The following is an entry in ClinVar:

NM_018671.5(UNC45A):c.1615A>T (p.Ile539Phe)

Gene: UNC45A (unc-45 myosin chaperone A; plus strand). Cytogenetic location: 15q26.1.
Variant type: single nucleotide variant.
Coding change: c.1615A>T on transcript NM_018671.5 (MANE Select); coding-DNA position 1615, A replaced by T.
Protein change: p.Ile539Phe; replaces isoleucine 539 with phenylalanine.
Molecular consequence: missense variant.
Genome position (GRCh38, 1-based): chr15:90,948,161, A>T. VCF-style: chr15-90948161-A-T. GRCh37 (hg19) VCF-style: chr15-91491391-A-T.
Other names: c.1570A>T, p.Ile524Phe (NM_001039675.2, NM_001323621.2); c.1615A>T, p.Ile539Phe (NM_001323619.1); c.1180A>T, p.Ile394Phe (NM_001323620.2); short protein forms I524F, I394F, I539F.
Identifiers: ClinVar variation 1507386 (VCV001507386.8), dbSNP rs2036677037, ClinGen allele CA393857507.
Genomic context (GRCh38, chr15:90,948,161, plus strand): 5'-CCCCAATCCTGAGGGTCGTCCACTATCCTGCGTGTCCCCAGGTGGCTGTGCAATGACCAG[A>T]TCGACGCAGGCACTCGGCGCTGGGCAGTGGAGGGCCTGGCTTACCTGACCTTTGATGCCG-3'
Protein context (NP_061141.2, residues 529-549): QCRKWLCNDQ[Ile539Phe]DAGTRRWAVE

ClinVar aggregate classification (germline): Uncertain significance (1 of 4 stars; one submission).

Submission:

Labcorp Genetics (formerly Invitae), Labcorp
Classification: Uncertain significance. Last evaluated: 2022-09-07. Review status: criteria provided, single submitter. Criteria: Invitae Variant Classification Sherloc (09022015). Collection method: clinical testing. Allele origin: germline.
Comment: In summary, the available evidence is currently insufficient to determine the role of this variant in disease. Therefore, it has been classified as a Variant of Uncertain Significance. Algorithms developed to predict the effect of missense changes on protein structure and function are either unavailable or do not agree on the potential impact of this missense change (SIFT: "Not Available"; PolyPhen-2: "Benign"; Align-GVGD: "Not Available"). ClinVar contains an entry for this variant (Variation ID: 1507386). This variant has not been reported in the literature in individuals affected with UNC45A-related conditions. This variant is not present in population databases (gnomAD no frequency). This sequence change replaces isoleucine, which is neutral and non-polar, with phenylalanine, which is neutral and non-polar, at codon 539 of the UNC45A protein (p.Ile539Phe).